The following is an entry in ClinVar:

NM_000051.4(ATM):c.1806T>G (p.Asn602Lys)

Gene: ATM (ATM serine/threonine kinase; plus strand). Cytogenetic location: 11q22.3.
Variant type: single nucleotide variant.
Coding change: c.1806T>G on transcript NM_000051.4 (MANE Select); coding-DNA position 1806, T replaced by G.
Protein change: p.Asn602Lys; replaces asparagine 602 with lysine.
Molecular consequence: missense variant.
Genome position (GRCh38, 1-based): chr11:108,252,820, T>G. VCF-style: chr11-108252820-T-G. GRCh37 (hg19) VCF-style: chr11-108123547-T-G.
Other names: c.1806T>G, p.Asn602Lys (NM_001351834.2); short protein forms N602K.
Identifiers: ClinVar variation 3232208 (VCV003232208.1), dbSNP rs2497289034, ClinGen allele CA382535692.

ClinVar aggregate classification (germline): Uncertain significance (1 of 4 stars; one submission).

Conditions:
Hereditary cancer-predisposing syndrome. Also called: Neoplastic Syndromes, Hereditary; Tumor predisposition; Hereditary neoplastic syndrome; Hereditary Cancer Syndrome. Identifiers: Orphanet 140162, MedGen C0027672, MeSH D009386, MONDO:0015356.

Submission:

Ambry Genetics
Classification: Uncertain significance for Hereditary cancer-predisposing syndrome. Last evaluated: 2023-10-10. Review status: criteria provided, single submitter. Criteria: Ambry Variant Classification Scheme 2023. Collection method: clinical testing. Allele origin: germline.
Comment: The p.N602K variant (also known as c.1806T>G), located in coding exon 11 of the ATM gene, results from a T to G substitution at nucleotide position 1806. The asparagine at codon 602 is replaced by lysine, an amino acid with similar properties. This amino acid position is conserved. In addition, this alteration is predicted to be tolerated by in silico analysis. Since supporting evidence is limited at this time, the clinical significance of this alteration remains unclear.